The following is an entry in ClinVar:

NM_003128.3(SPTBN1):c.4632C>A (p.Ile1544=)

Gene: SPTBN1 (spectrin beta, non-erythrocytic 1; plus strand). Cytogenetic location: 2p16.2.
Variant type: single nucleotide variant.
Coding change: c.4632C>A on transcript NM_003128.3 (MANE Select); coding-DNA position 4632, C replaced by A.
Protein change: p.Ile1544=; no amino-acid change (isoleucine 1544 retained).
Molecular consequence: synonymous variant.
Genome position (GRCh38, 1-based): chr2:54,646,241, C>A. VCF-style: chr2-54646241-C-A. GRCh37 (hg19) VCF-style: chr2-54873378-C-A.
Other names: c.4593C>A, p.Ile1531= (NM_178313.3).
Identifiers: ClinVar variation 4084095 (VCV004084095.8).

ClinVar aggregate classification (germline): Likely benign (1 of 4 stars; one submission).

Submission:

CeGaT Center for Human Genetics Tuebingen
Classification: Likely benign. Last evaluated: 2025-06-01. Review status: criteria provided, single submitter. Criteria: CeGaT Center For Human Genetics Tuebingen Variant Classification Criteria Version 2. Collection method: clinical testing. Allele origin: germline. Affected: yes. Observed: 1 variant allele.
Comment: SPTBN1: BP4, BS2